The following is an entry in ClinVar:

NM_001044.5(SLC6A3):c.1676C>T (p.Ala559Val)

Gene: SLC6A3 (solute carrier family 6 member 3). Cytogenetic location: 5p15.33.
Variant type: single nucleotide variant.
Coding change: c.1676C>T on transcript NM_001044.5 (MANE Select); coding-DNA position 1676, C replaced by T.
Protein change: p.Ala559Val; replaces alanine 559 with valine.
Molecular consequence: missense variant.
Genome position (GRCh38, 1-based): chr5:1,403,013, G>A on the plus strand (C>T on the coding strand, the complement: SLC6A3 is on the minus strand). VCF-style: chr5-1403013-G-A. GRCh37 (hg19) VCF-style: chr5-1403128-G-A.
Other names: short protein forms A559V.
Identifiers: ClinVar variation 290889 (VCV000290889.34), dbSNP rs28364997, ClinGen allele CA3185949.

ClinVar aggregate classification (germline): Conflicting classifications of pathogenicity. Review status: criteria provided, conflicting classifications (1 of 4 stars). 7 submissions from 7 submitters: Uncertain significance (6); Likely benign (1). Last evaluated 2026-02-03.

Conditions:
Parkinsonism-dystonia, infantile. Identifiers: Orphanet 238455, MedGen C2751067, MONDO:0013150.
Inborn genetic diseases. Identifiers: MedGen C0950123, MeSH D030342.
Classic dopamine transporter deficiency syndrome (PKDYS1). Also called: Parkinsonism-dystonia, infantile, 1; DOPAMINE TRANSPORTER DEFICIENCY SYNDROME. Identifiers: Orphanet 238455, MedGen C5700336, MONDO:0054835, OMIM 613135.

Allele frequency attached by ClinVar (database versions not stated): 1000 Genomes Project 30x 0.00016; 1000 Genomes Project 0.00020; ExAC 0.00042; gnomAD exomes 0.00053 and 0.00132; gnomAD 0.00057 and 0.00059; TOPMed 0.00062; ESP Exome Variant Server 0.00069.
gnomAD v4.1: 1,980 of 1,614,020 alleles (0.12%); highest among the groups gnomAD compares: Non-Finnish European, 0.16%; 1 homozygote.

Submissions (7):

GeneDx
Classification: Uncertain significance. Last evaluated: 2026-02-03. Review status: criteria provided, single submitter. Criteria: GeneDx Variant Classification Process June 2021. Collection method: clinical testing. Allele origin: germline. Affected: yes.
Comment: Reported in heterozygous state in an individual with bipolar disorder; however, a second SLC6A3 variant was not identified and variant did not segregate with other affected family members (PMID: 10889530); Reported in heterozygous state in two siblings with attention deficit hyperactivity disorder; however, additional clinical information and segregation information was not provided (PMID: 16171832); Reported in heterozygous state in two unrelated patients with autism in published literature; however, the variant was maternally inherited in both cases from unaffected mothers (PMID: 25313507); In silico analysis suggests that this missense variant does not alter protein structure/function; This variant is associated with the following publications: (PMID: 18614672, 25331903, 20427663, 29559554, 16103889, 16171832, 19590515, 31133547, 34426522, 35317228, 32473160, 33310157, 37238676, 31094705, 37205452, 34000340, 36630507, 34002696, 34104969, 36552823, 36750796, 10889530, 25313507, 38168036, 37987120, 40442453, 40891025, 41165021, 26931468)

CeGaT Center for Human Genetics Tuebingen
Classification: Likely benign. Last evaluated: 2025-08-01. Review status: criteria provided, single submitter. Criteria: CeGaT Center For Human Genetics Tuebingen Variant Classification Criteria Version 2. Collection method: clinical testing. Allele origin: germline. Affected: yes. Observed: 2 variant alleles.
Comment: SLC6A3: BP4

Labcorp Genetics (formerly Invitae), Labcorp
Classification: Uncertain significance for Parkinsonism-dystonia, infantile. Last evaluated: 2024-01-17. Review status: criteria provided, single submitter. Criteria: Invitae Variant Classification Sherloc (09022015). Collection method: clinical testing. Allele origin: germline.
Comment: This sequence change replaces alanine, which is neutral and non-polar, with valine, which is neutral and non-polar, at codon 559 of the SLC6A3 protein (p.Ala559Val). This variant is present in population databases (rs28364997, gnomAD 0.1%), and has an allele count higher than expected for a pathogenic variant. This missense change has been observed in individual(s) with bipolar disorder, attention-deficit hyperactivity disorder (ADHD), speech disfluency, infantile encephalopathy, and/or autism-spectrum disorder (ASD) (PMID: 10889530, 16171832, 19590515, 25313507, 26931468). ClinVar contains an entry for this variant (Variation ID: 290889). Advanced modeling of protein sequence and biophysical properties (such as structural, functional, and spatial information, amino acid conservation, physicochemical variation, residue mobility, and thermodynamic stability) performed at Invitae indicates that this missense variant is not expected to disrupt SLC6A3 protein function with a negative predictive value of 80%. Experimental studies have shown that this missense change affects SLC6A3 function (PMID: 18614672, 20427663, 25313507, 25331903). In summary, the available evidence is currently insufficient to determine the role of this variant in disease. Therefore, it has been classified as a Variant of Uncertain Significance.

Ambry Genetics
Classification: Uncertain significance for Inborn genetic diseases. Last evaluated: 2022-03-09. Review status: criteria provided, single submitter. Criteria: Ambry Variant Classification Scheme 2023. Collection method: clinical testing. Allele origin: germline.

CENTOGENE GmbH and LLC - Guiding Precision Medicine
Classification: Uncertain significance for Classic dopamine transporter deficiency syndrome. Last evaluated: 2020-06-25. Review status: criteria provided, single submitter. Criteria: ACMG Guidelines, 2015. Collection method: clinical testing. Allele origin: germline. Affected: no.

Laboratorio de Genetica e Diagnostico Molecular, Hospital Israelita Albert Einstein
Classification: Uncertain significance. Last evaluated: 2020-02-19. Review status: criteria provided, single submitter. Criteria: ACMG Guidelines, 2015. Collection method: clinical testing. Allele origin: germline. Affected: yes.

Eurofins Ntd Llc (ga)
Classification: Uncertain significance. Last evaluated: 2016-09-01. Review status: criteria provided, single submitter. Criteria: EGL Classification Definitions 2015. Collection method: clinical testing. Allele origin: germline. Observed: 1 variant allele, 1 heterozygote.

Literature cited by the submitters: PubMed 10889530 (cited by Labcorp Genetics (formerly Invitae), Labcorp and Ambry Genetics); PubMed 16171832 (cited by Labcorp Genetics (formerly Invitae), Labcorp and Ambry Genetics); PubMed 19590515 (cited by Labcorp Genetics (formerly Invitae), Labcorp and Ambry Genetics); PubMed 25313507 (cited by Labcorp Genetics (formerly Invitae), Labcorp and Ambry Genetics); PubMed 26931468 (cited by Labcorp Genetics (formerly Invitae), Labcorp and Ambry Genetics); PubMed 18614672 (cited by Labcorp Genetics (formerly Invitae), Labcorp and Ambry Genetics); PubMed 20427663 (cited by Labcorp Genetics (formerly Invitae), Labcorp and Ambry Genetics); PubMed 25331903 (cited by Labcorp Genetics (formerly Invitae), Labcorp and Ambry Genetics); PubMed 16103889 (cited by Ambry Genetics); PubMed 16212992 (cited by Ambry Genetics).